The following is an entry in ClinVar:

ClinVar aggregate classification (germline): Uncertain significance (1 of 4 stars; one submission).

Allele frequency attached by ClinVar (database versions not stated): TOPMed below 0.00001.

Submission:

Labcorp Genetics (formerly Invitae), Labcorp
Classification: Uncertain significance. Last evaluated: 2026-01-04. Review status: criteria provided, single submitter. Criteria: Invitae Variant Classification Sherloc (09022015). Collection method: clinical testing. Allele origin: germline.
Comment: This sequence change replaces arginine, which is basic and polar, with leucine, which is neutral and non-polar, at codon 57 of the MOCS3 protein (p.Arg57Leu). This variant is present in population databases (no rsID available, gnomAD 0.002%). This variant has not been reported in the literature in individuals affected with MOCS3-related conditions. ClinVar contains an entry for this variant (Variation ID: 2012540). An algorithm developed to predict the effect of missense changes on protein structure and function (PolyPhen-2) suggests that this variant is likely to be tolerated. In summary, the available evidence is currently insufficient to determine the role of this variant in disease. Therefore, it has been classified as a Variant of Uncertain Significance.

NM_014484.5(MOCS3):c.170G>T (p.Arg57Leu)

Gene: MOCS3 (molybdenum cofactor synthesis 3; plus strand). Cytogenetic location: 20q13.13.
Variant type: single nucleotide variant.
Coding change: c.170G>T on transcript NM_014484.5 (MANE Select); coding-DNA position 170, G replaced by T.
Protein change: p.Arg57Leu; replaces arginine 57 with leucine.
Molecular consequence: missense variant.
Genome position (GRCh38, 1-based): chr20:50,959,012, G>T. VCF-style: chr20-50959012-G-T. GRCh37 (hg19) VCF-style: chr20-49575549-G-T.
Other names: short protein forms R57L.
Identifiers: ClinVar variation 2012540 (VCV002012540.4), dbSNP rs1168009608, ClinGen allele CA408982019.